The following is an entry in ClinVar:

ClinVar aggregate classification (germline): Conflicting classifications of pathogenicity. Review status: criteria provided, conflicting classifications (1 of 4 stars). 3 submissions from 2 submitters: Uncertain significance (2); Benign (1). Last evaluated 2023-11-28.

Conditions:
Retinitis pigmentosa (RP). Identifiers: Orphanet 791, MedGen C0035334, MeSH D012174, MONDO:0019200, OMIM 268000. Inheritance: Autosomal dominant, autosomal recessive and X linked inheritance.
Congenital stationary night blindness autosomal dominant 2. Also called: NIGHT BLINDNESS, CONGENITAL STATIONARY, RAMBUSCH TYPE. Identifiers: Orphanet 215, MedGen C1876182, MONDO:0008099, OMIM 163500.

Allele frequency attached by ClinVar (database versions not stated): TOPMed below 0.00001; gnomAD 0.00001 and 0.00005; ExAC 0.00011; gnomAD exomes 0.00012.
gnomAD v4.1: 96 of 1,611,866 alleles (0.006%); highest among the groups gnomAD compares: South Asian, 0.097%; no homozygotes.

Submissions (3):

Labcorp Genetics (formerly Invitae), Labcorp
Classification: Uncertain significance. Last evaluated: 2023-11-28. Review status: criteria provided, single submitter. Criteria: Invitae Variant Classification Sherloc (09022015). Collection method: clinical testing. Allele origin: germline.
Comment: This sequence change replaces alanine, which is neutral and non-polar, with threonine, which is neutral and polar, at codon 666 of the PDE6B protein (p.Ala666Thr). This variant is present in population databases (rs779474710, gnomAD 0.09%). This variant has not been reported in the literature in individuals affected with PDE6B-related conditions. ClinVar contains an entry for this variant (Variation ID: 850184). Advanced modeling of protein sequence and biophysical properties (such as structural, functional, and spatial information, amino acid conservation, physicochemical variation, residue mobility, and thermodynamic stability) performed at Invitae indicates that this missense variant is expected to disrupt PDE6B protein function with a positive predictive value of 95%. In summary, the available evidence is currently insufficient to determine the role of this variant in disease. Therefore, it has been classified as a Variant of Uncertain Significance.

Illumina Laboratory Services, Illumina
Classification: Uncertain significance for Retinitis pigmentosa. Last evaluated: 2018-01-12. Review status: criteria provided, single submitter. Criteria: ICSL Variant Classification Criteria 13 December 2019. Collection method: clinical testing. Allele origin: germline.

Illumina Laboratory Services, Illumina
Classification: Benign for Congenital stationary night blindness autosomal dominant 2. Last evaluated: 2018-01-12. Review status: criteria provided, single submitter. Criteria: ICSL Variant Classification Criteria 13 December 2019. Collection method: clinical testing. Allele origin: germline.
Comment: This variant was observed in the ICSL laboratory as part of a predisposition screen in an ostensibly healthy population. It had not been previously curated by ICSL or reported in the Human Gene Mutation Database (HGMD: prior to June 1st, 2018), and was therefore a candidate for classification through an automated scoring system. Utilizing variant allele frequency, disease prevalence and penetrance estimates, and inheritance mode, an automated score was calculated to assess if this variant is too frequent to cause the disease. Based on the score and internal cut-off values, a variant classified as benign is not then subjected to further curation. The score for this variant resulted in a classification of benign for this disease.

NM_000283.4(PDE6B):c.1996G>A (p.Ala666Thr)

Gene: PDE6B (phosphodiesterase 6B; plus strand). Cytogenetic location: 4p16.3.
Variant type: single nucleotide variant.
Coding change: c.1996G>A on transcript NM_000283.4 (MANE Select); coding-DNA position 1996, G replaced by A.
Protein change: p.Ala666Thr; replaces alanine 666 with threonine.
Molecular consequence: missense variant.
Genome position (GRCh38, 1-based): chr4:663,845, G>A. VCF-style: chr4-663845-G-A. GRCh37 (hg19) VCF-style: chr4-657634-G-A.
Other names: c.1996G>A, p.Ala666Thr (NM_001145291.2); c.1159G>A, p.Ala387Thr (NM_001145292.2, NM_001350154.3, NM_001379246.1 and 1 more transcripts); c.841G>A, p.Ala281Thr (NM_001350155.3); short protein forms A666T, A281T, A387T.
Identifiers: ClinVar variation 850184 (VCV000850184.13), dbSNP rs779474710, ClinGen allele CA2794799.
Genomic context (GRCh38, chr4:663,845, plus strand): 5'-CAGAACCTGAACCGGCGGCAGCACGAGCACGTGATCCACCTGATGGACATCGCCATCATC[G>A]CCACGGACCTGGCCCTGTACTTCAAGTGCGCGCCTTCCGGGAGGGGGCGCCTCGCGGGGC-3'
Protein context (NP_000274.3, residues 656-676): VIHLMDIAII[Ala666Thr]TDLALYFKKR